The following is an entry in ClinVar:

ClinVar aggregate classification (germline): Uncertain significance (1 of 4 stars; one submission).

gnomAD v4.1: 10 of 1,614,166 alleles (0.00062%); highest among the groups gnomAD compares: African/African-American, 0.0027%; no homozygotes.

Submission:

GeneDx
Classification: Uncertain significance. Last evaluated: 2026-06-13. Review status: criteria provided, single submitter. Criteria: GeneDx Variant Classification Process June 2021. Collection method: clinical testing. Allele origin: germline.
Comment: Not observed at significant frequency in large population cohorts (gnomAD); In silico analysis supports that this missense variant has a deleterious effect on protein structure/function; Has not been previously published as pathogenic or benign to our knowledge

NM_032382.5(COG8):c.868C>T (p.Arg290Cys)

Gene: COG8 (component of oligomeric golgi complex 8; minus strand). Cytogenetic location: 16q22.1.
Variant type: single nucleotide variant.
Coding change: c.868C>T on transcript NM_032382.5 (MANE Select); coding-DNA position 868, C replaced by T.
Protein change: p.Arg290Cys; replaces arginine 290 with cysteine.
Molecular consequence: missense variant.
Genome position (GRCh38, 1-based): chr16:69,335,066, G>A on the plus strand (C>T on the coding strand, the complement: COG8 is on the minus strand). VCF-style: chr16-69335066-G-A. GRCh37 (hg19) VCF-style: chr16-69368969-G-A.
Other names: c.868C>T, p.Arg290Cys (NM_001374871.1, NM_001379261.1, NM_001379262.1 and 4 more transcripts); short protein forms R290C.
Identifiers: ClinVar variation 4070890 (VCV004070890.2).